The following is an entry in ClinVar:

NM_139276.3(STAT3):c.1797_1799del (p.Thr600del)

Gene: STAT3 (signal transducer and activator of transcription 3; minus strand). Cytogenetic location: 17q21.2.
Variant type: Deletion.
Coding change: c.1797_1799del on transcript NM_139276.3 (MANE Select); coding-DNA positions 1797 to 1799, 3 bases deleted (CAC; older notation c.1797_1799delCAC).
Protein change: p.Thr600del; deletes threonine 600.
Molecular consequence: inframe deletion.
Genome position (GRCh38, 1-based): chr17:42,323,093-42,323,095, GTG deleted on the plus strand (CAC on the coding strand, the reverse complement: STAT3 is on the minus strand). VCF-style (leftmost placement, unchanged base first): chr17-42323092-AGTG-A. GRCh37 (hg19) VCF-style: chr17-40475110-AGTG-A.
Other names: c.1797_1799del, p.Thr600del (NM_001369512.1, NM_001369513.1, NM_001369514.1 and 9 more transcripts); c.1713_1715del, p.Thr572del (NM_001384984.1); c.1719_1721del, p.Thr574del (NM_001384985.1); c.1812_1814del, p.Thr605del (NM_001384986.1, NM_001384990.1); c.1776_1778del, p.Thr593del (NM_001384987.1); c.1701_1703del, p.Thr568del (NM_001384989.1); c.1770_1772del, p.Thr591del (NM_001384991.1); c.1737_1739del, p.Thr580del (NM_001384992.1); short protein forms T568del, T572del, T574del, T580del, T591del, T593del, T600del, T605del.
Identifiers: ClinVar variation 1994537 (VCV001994537.4), dbSNP rs2509215241, ClinGen allele CA2580093749.
Genomic context (GRCh38, chr17:42,323,092, plus strand): 5'-AGTGACGCCTCCTTCTTTGCTGCTTTCACTGAATCTTAGCAGGAAGGTGCCTGGAGGCTT[AGTG>A]CTCAAGATGGCCCGCTCCCGCTCCTTACTGATAAAGCCCATGATGTACCTGGAGCCAAGG-3'

ClinVar aggregate classification (germline): Uncertain significance (1 of 4 stars; one submission).

Conditions:
Hyper-IgE recurrent infection syndrome 1, autosomal dominant. Also called: JOB SYNDROME; HYPER-IgE SYNDROME 1, AUTOSOMAL DOMINANT, WITH RECURRENT INFECTIONS; Job's Syndrome; STAT3 Hyper IgE Syndrome; Hyper-IgE recurrent infection syndrome 1. Identifiers: Orphanet 2314, MedGen C2936739, MONDO:0007818, OMIM 147060.
STAT3 gain of function. Identifiers: MedGen C4288261.

Submission:

Labcorp Genetics (formerly Invitae), Labcorp
Classification: Uncertain significance for STAT3 gain of function; Hyper-IgE recurrent infection syndrome 1, autosomal dominant. Last evaluated: 2022-05-15. Review status: criteria provided, single submitter. Criteria: Invitae Variant Classification Sherloc (09022015). Collection method: clinical testing. Allele origin: germline.
Comment: This variant, c.1797_1799del, results in the deletion of 1 amino acid(s) of the STAT3 protein (p.Thr600del), but otherwise preserves the integrity of the reading frame. This variant is not present in population databases (gnomAD no frequency). This variant has not been reported in the literature in individuals affected with STAT3-related conditions. Experimental studies and prediction algorithms are not available or were not evaluated, and the functional significance of this variant is currently unknown. In summary, the available evidence is currently insufficient to determine the role of this variant in disease. Therefore, it has been classified as a Variant of Uncertain Significance.